The following is an entry in ClinVar:

NM_004360.4:c.(1008+1_1009-1)_(1711+1_1712-1)del

Gene: CDH1 (cadherin 1; plus strand).
Variant type: Deletion.
Identifiers: ClinVar variation 2502935 (VCV002502935.1).

ClinVar aggregate classification (germline): Pathogenic (1 of 4 stars; one submission).

Conditions:
Hereditary diffuse gastric adenocarcinoma (HDGC). Also called: DIFFUSE GASTRIC AND LOBULAR BREAST CANCER SYNDROME. Identifiers: Orphanet 26106, MedGen C1708349, MONDO:0007648, OMIM 137215.

Submission:

European Reference Network on Genetic Tumour Risk Syndromes (ERN-GENTURIS), i3s - Instituto de Investigação e Inovação em Saúde, University of Porto
Classification: Pathogenic for Hereditary diffuse gastric adenocarcinoma. Last evaluated: 2022-08-01. Review status: criteria provided, single submitter. Criteria: Lee et al. (Hum Mutat. 2018). Collection method: clinical testing. Allele origin: germline. Inheritance: Autosomal dominant inheritance. Affected: yes. Study: ERN GENTURIS.
Comment: PVS1; PS4_Supporting; PM2 (PMID: 30311375)

Literature cited by the submitters: PubMed 36436516.